The following is an entry in ClinVar:

ClinVar aggregate classification (germline): Conflicting classifications of pathogenicity. Review status: criteria provided, conflicting classifications (1 of 4 stars). 5 submissions from 5 submitters: Uncertain significance (3); Likely benign (1). 1 of the submissions does not count toward it. Last evaluated 2025-12-18.

Conditions:
Tuberous sclerosis syndrome (TSC). Also called: Tuberous sclerosis; Tuberous Sclerosis Complex. Identifiers: Orphanet 805, MedGen C0041341, MONDO:0001734.
Hereditary cancer-predisposing syndrome. Also called: Hereditary Cancer Syndrome; Tumor predisposition; Neoplastic Syndromes, Hereditary; Hereditary neoplastic syndrome. Identifiers: Orphanet 140162, MedGen C0027672, MeSH D009386, MONDO:0015356.
Tuberous sclerosis 2 (TSC2). Identifiers: Orphanet 805, MedGen C1860707, MONDO:0013199, OMIM 613254.
TSC2-related disorder. Also called: TSC2-related condition; TSC2-Related Disorders.

Submissions (5):

Ambry Genetics
Classification: Uncertain significance for Hereditary cancer-predisposing syndrome. Last evaluated: 2025-12-18. Review status: criteria provided, single submitter. Criteria: Ambry Variant Classification Scheme 2023. Collection method: clinical testing. Allele origin: germline.
Comment: The c.1567_1569delCAC variant (also known as p.H523del), located in coding exon 14 of the TSC2 gene. This variant results from an in-frame CAC deletion at nucleotide positions 1567 to 1569. This results in the in-frame deletion of a histidine at codon 523. This amino acid position is highly conserved in available vertebrate species. In addition, this alteration is predicted to be deleterious by in silico analysis (Choi Y et al. PLoS ONE. 2012; 7(10):e46688). Since supporting evidence is limited at this time, the clinical significance of this alteration remains unclear.

Color Diagnostics, LLC DBA Color Health
Classification: Uncertain significance for Tuberous sclerosis syndrome. Last evaluated: 2025-05-20. Review status: criteria provided, single submitter. Criteria: ACMG Guidelines, 2015. Collection method: clinical testing. Allele origin: germline.
Comment: This variant is a single amino acid deletion of codon 523 in the TSC2 protein. To our knowledge, functional studies have not been reported for this variant. This variant has not been reported in individuals affected with TSC2-related disorders in the literature. This variant has not been identified in the general population by the Genome Aggregation Database (gnomAD). The available evidence is insufficient to determine the role of this variant in disease conclusively. Therefore, this variant is classified as a Variant of Uncertain Significance.

Labcorp Genetics (formerly Invitae), Labcorp
Classification: Likely benign for Tuberous sclerosis 2. Last evaluated: 2025-04-21. Review status: criteria provided, single submitter. Criteria: Invitae Variant Classification Sherloc (09022015). Collection method: clinical testing. Allele origin: germline.

GeneDx
Classification: Uncertain significance. Last evaluated: 2022-12-12. Review status: criteria provided, single submitter. Criteria: GeneDx Variant Classification Process June 2021. Collection method: clinical testing. Allele origin: germline. Affected: yes.
Comment: Not observed at significant frequency in large population cohorts (gnomAD); In-frame deletion of one amino acid in a non-repeat region; In silico analysis supports a deleterious effect on protein structure/function; Has not been previously published as pathogenic or benign to our knowledge

PreventionGenetics, part of Exact Sciences
Classification: Uncertain significance for TSC2-related condition. Last evaluated: 2024-02-14. Review status: no assertion criteria provided. Collection method: clinical testing. Allele origin: germline. Not counted in ClinVar's aggregate classification.
Comment: The TSC2 c.1567_1569delCAC variant is predicted to result in an in-frame deletion (p.His523del). To our knowledge, this variant has not been reported in the literature or in a large population database, indicating this variant is rare. At this time, the clinical significance of this variant is uncertain due to the absence of conclusive functional and genetic evidence.

NM_000548.5(TSC2):c.1564CAC[1] (p.His523del)

Gene: TSC2 (TSC complex subunit 2; plus strand). Cytogenetic location: 16p13.3.
Variant type: Microsatellite.
Coding change: c.1564CAC[1] on transcript NM_000548.5 (MANE Select); one copy of the 3-base unit CAC starting at c.1564; the reference has two copies in a row; one copy, 3 bases deleted; also written c.1567_1569del.
Protein change: p.His523del; deletes histidine 523.
Molecular consequence: inframe deletion.
Genome position (GRCh38, 1-based): chr16:2,064,395-2,064,397, CAC deleted; deleting any 3 consecutive bases within chr16:2,064,392-2,064,397 gives the same sequence; the position shown is the placement nearest the transcript's 3' end. VCF-style (leftmost placement, unchanged base first): chr16-2064391-ACAC-A. GRCh37 (hg19) VCF-style: chr16-2114392-ACAC-A.
Other names: c.1564CAC[1], p.His523del (NM_001077183.3, NM_001114382.3, NM_001363528.2 and 3 more transcripts); c.1453CAC[1], p.His486del (NM_001318827.2); c.1417CAC[1], p.His474del (NM_001318829.2); c.964CAC[1], p.His323del (NM_001318831.2); c.1597CAC[1], p.His534del (NM_001318832.2); c.1567_1569delCAC (NM_000548.3); c.1567_1569del (NM_000548.5); short protein forms H474del, H486del, H534del, H323del, H523del.
Identifiers: ClinVar variation 861596 (VCV000861596.17), dbSNP rs2087028639, ClinGen allele CA916081798.